The following is an entry in ClinVar:

NM_001394998.1(TANC2):c.3787G>C (p.Gly1263Arg)

Genes: TANC2 (tetratricopeptide repeat, ankyrin repeat and coiled-coil containing 2; plus strand), LOC105371856 (uncharacterized LOC105371856; minus strand). Cytogenetic location: 17q23.3.
Variant type: single nucleotide variant.
Coding change: c.3787G>C on transcript NM_001394998.1 (MANE Select); coding-DNA position 3787, G replaced by C.
Protein change: p.Gly1263Arg; replaces glycine 1263 with arginine.
Molecular consequence: missense variant.
Genome position (GRCh38, 1-based): chr17:63,412,019, G>C. VCF-style: chr17-63412019-G-C. GRCh37 (hg19) VCF-style: chr17-61489380-G-C.
Other names: c.3565G>C, p.Gly1189Arg (NM_001411076.1, NM_025185.4); short protein forms G1189R, G1263R.
Identifiers: ClinVar variation 4689950 (VCV004689950.1).
Genomic context (GRCh38, chr17:63,412,019, plus strand): 5'-TACGCCTGTCCTAACTTCTCTGCTTGATCCGTGTCCTAGGTCCAGTTCCTGGTAGATCAT[G>C]GGGCCATGATCGAGCACGTTGACTACAGTGGAATGCGCCCTTTGGATAGGGCAGTGGGGT-3'
Protein context (NP_001381927.1, residues 1253-1273): AEVVQFLVDH[Gly1263Arg]AMIEHVDYSG

ClinVar aggregate classification (germline): Uncertain significance (1 of 4 stars; one submission).

Submission:

GeneDx
Classification: Uncertain significance. Last evaluated: 2025-07-31. Review status: criteria provided, single submitter. Criteria: GeneDx Variant Classification Process June 2021. Collection method: clinical testing. Allele origin: germline. Affected: yes.
Comment: Not observed at significant frequency in large population cohorts (gnomAD); In silico analysis supports that this missense variant has a deleterious effect on protein structure/function; Has not been previously published as pathogenic or benign to our knowledge